The following is an entry in ClinVar:

NM_020297.4(ABCC9):c.2330A>C (p.Asn777Thr)

Gene: ABCC9 (ATP binding cassette subfamily C member 9; minus strand). Cytogenetic location: 12p12.1.
Variant type: single nucleotide variant.
Coding change: c.2330A>C on transcript NM_020297.4 (MANE Select); coding-DNA position 2330, A replaced by C.
Protein change: p.Asn777Thr; replaces asparagine 777 with threonine.
Molecular consequence: missense variant.
Genome position (GRCh38, 1-based): chr12:21,862,962, T>G on the plus strand (A>C on the coding strand, the complement: ABCC9 is on the minus strand). VCF-style: chr12-21862962-T-G. GRCh37 (hg19) VCF-style: chr12-22015896-T-G.
Other names: c.2330A>C, p.Asn777Thr (NM_001377273.1, NM_005691.4); c.1463A>C, p.Asn488Thr (NM_001377274.1); c.2330A>C (NM_020297.2); short protein forms N488T, N777T.
Identifiers: ClinVar variation 958483 (VCV000958483.10), dbSNP rs1945595014, ClinGen allele CA384129644.
Genomic context (GRCh38, chr12:21,862,962, plus strand): 5'-AGTCAGAAAGAGTTGCCATTTTGGTTCTAAATTTTATATGCTCAAAATTACCTCTGTTTG[T>G]TAAAAGGACTTCCAAAAGTAATATTTTCTTCTACTGTAGCATTTAATAGCCAAGGCTTTT-3'
Protein context (NP_064693.2, residues 767-787): EENITFGSPF[Asn777Thr]KQRYKAVTDA

ClinVar aggregate classification (germline): Uncertain significance. Review status: criteria provided, multiple submitters, no conflicts (2 of 4 stars). 2 submissions from 2 submitters: Uncertain significance (2). Last evaluated 2025-02-26.

Conditions:
Dilated cardiomyopathy 1O (CMD1O). Also called: CARDIOMYOPATHY, DILATED, WITH VENTRICULAR TACHYCARDIA. Identifiers: Orphanet 154, MedGen C1837839, MONDO:0012062, OMIM 608569.

Allele frequency attached by ClinVar (database versions not stated): TOPMed below 0.00001; gnomAD 0.00001.
gnomAD v4.1: 1 of 1,605,372 alleles (0.000062%); highest among the groups gnomAD compares: Non-Finnish European, 0.000085%; no homozygotes.

Submissions (2):

Labcorp Genetics (formerly Invitae), Labcorp
Classification: Uncertain significance for Dilated cardiomyopathy 1O. Last evaluated: 2025-02-26. Review status: criteria provided, single submitter. Criteria: Invitae Variant Classification Sherloc (09022015). Collection method: clinical testing. Allele origin: germline.
Comment: This sequence change replaces asparagine, which is neutral and polar, with threonine, which is neutral and polar, at codon 777 of the ABCC9 protein (p.Asn777Thr). This variant is not present in population databases (gnomAD no frequency). This variant has not been reported in the literature in individuals affected with ABCC9-related conditions. ClinVar contains an entry for this variant (Variation ID: 958483). Invitae Evidence Modeling of protein sequence and biophysical properties (such as structural, functional, and spatial information, amino acid conservation, physicochemical variation, residue mobility, and thermodynamic stability) has been performed for this missense variant. However, the output from this modeling did not meet the statistical confidence thresholds required to predict the impact of this variant on ABCC9 protein function. In summary, the available evidence is currently insufficient to determine the role of this variant in disease. Therefore, it has been classified as a Variant of Uncertain Significance.

GeneDx
Classification: Uncertain significance. Last evaluated: 2023-09-23. Review status: criteria provided, single submitter. Criteria: GeneDx Variant Classification Process June 2021. Collection method: clinical testing. Allele origin: germline. Affected: yes.
Comment: Not observed in large population cohorts (gnomAD); In silico analysis supports that this missense variant has a deleterious effect on protein structure/function; Has not been previously published as pathogenic or benign to our knowledge